The following is an entry in ClinVar:

NM_080680.3(COL11A2):c.4702G>A (p.Ala1568Thr)

Gene: COL11A2 (collagen type XI alpha 2 chain; minus strand). Cytogenetic location: 6p21.32.
Variant type: single nucleotide variant.
Coding change: c.4702G>A on transcript NM_080680.3 (MANE Select); coding-DNA position 4702, G replaced by A.
Protein change: p.Ala1568Thr; replaces alanine 1568 with threonine.
Molecular consequence: missense variant.
Genome position (GRCh38, 1-based): chr6:33,165,597, C>T on the plus strand (G>A on the coding strand, the complement: COL11A2 is on the minus strand). VCF-style: chr6-33165597-C-T. GRCh37 (hg19) VCF-style: chr6-33133374-C-T.
Other names: c.4381G>A, p.Ala1461Thr (NM_080679.3); c.4444G>A, p.Ala1482Thr (NM_080681.3); short protein forms A1482T, A1568T, A1461T.
Identifiers: ClinVar variation 2100604 (VCV002100604.4), dbSNP rs2534447335, ClinGen allele CA363618319.

ClinVar aggregate classification (germline): Uncertain significance (1 of 4 stars; one submission).

Submission:

Labcorp Genetics (formerly Invitae), Labcorp
Classification: Uncertain significance. Last evaluated: 2022-02-20. Review status: criteria provided, single submitter. Criteria: Invitae Variant Classification Sherloc (09022015). Collection method: clinical testing. Allele origin: germline.
Comment: This sequence change replaces alanine, which is neutral and non-polar, with threonine, which is neutral and polar, at codon 1568 of the COL11A2 protein (p.Ala1568Thr). This variant is not present in population databases (gnomAD no frequency). This variant has not been reported in the literature in individuals affected with COL11A2-related conditions. Advanced modeling of protein sequence and biophysical properties (such as structural, functional, and spatial information, amino acid conservation, physicochemical variation, residue mobility, and thermodynamic stability) performed at Invitae indicates that this missense variant is not expected to disrupt COL11A2 protein function. In summary, the available evidence is currently insufficient to determine the role of this variant in disease. Therefore, it has been classified as a Variant of Uncertain Significance.